The following is an entry in ClinVar:

NM_001134363.3(RBM20):c.1699G>A (p.Ala567Thr)

Gene: RBM20 (RNA binding motif protein 20; plus strand). Cytogenetic location: 10q25.2.
Variant type: single nucleotide variant.
Coding change: c.1699G>A on transcript NM_001134363.3 (MANE Select); coding-DNA position 1699, G replaced by A.
Protein change: p.Ala567Thr; replaces alanine 567 with threonine.
Molecular consequence: missense variant.
Genome position (GRCh38, 1-based): chr10:110,799,817, G>A. VCF-style: chr10-110799817-G-A. GRCh37 (hg19) VCF-style: chr10-112559575-G-A.
Other names: short protein forms A567T.
Identifiers: ClinVar variation 1440940 (VCV001440940.7), dbSNP rs1844598396, ClinGen allele CA378390688.
Genomic context (GRCh38, chr10:110,799,817, plus strand): 5'-TCCAGTGAGTGTCCTTCCTTTCTTTCTTAGGCCTTTTTAGAGATGGCTTACACAGAAGCT[G>A]CACAGGCCATGGTCCAGTATTATCAAGAAAAATCTGCTGTGATCAATGGTGAGAAGTTGC-3'
Protein context (NP_001127835.2, residues 557-577): AFLEMAYTEA[Ala567Thr]QAMVQYYQEK

ClinVar aggregate classification (germline): Uncertain significance. Review status: criteria provided, multiple submitters, no conflicts (2 of 4 stars). 2 submissions from 2 submitters: Uncertain significance (2). Last evaluated 2024-07-08.

Conditions:
Dilated cardiomyopathy 1DD (CMD1DD). Identifiers: Orphanet 154, MedGen C2750995, MONDO:0013168, OMIM 613172.

Allele frequency attached by ClinVar (database versions not stated): TOPMed below 0.00001; gnomAD exomes 0.00001.
gnomAD v4.1: 8 of 1,551,428 alleles (0.00052%); highest among the groups gnomAD compares: Non-Finnish European, 0.0007%; no homozygotes.

Submissions (2):

Labcorp Genetics (formerly Invitae), Labcorp
Classification: Uncertain significance for Dilated cardiomyopathy 1DD. Last evaluated: 2024-07-08. Review status: criteria provided, single submitter. Criteria: Invitae Variant Classification Sherloc (09022015). Collection method: clinical testing. Allele origin: germline.
Comment: This sequence change replaces alanine, which is neutral and non-polar, with threonine, which is neutral and polar, at codon 567 of the RBM20 protein (p.Ala567Thr). This variant is not present in population databases (gnomAD no frequency). This missense change has been observed in individual(s) with dilated cardiomyopathy (PMID: 36578016). ClinVar contains an entry for this variant (Variation ID: 1440940). Advanced modeling of protein sequence and biophysical properties (such as structural, functional, and spatial information, amino acid conservation, physicochemical variation, residue mobility, and thermodynamic stability) has been performed at Invitae for this missense variant, however the output from this modeling did not meet the statistical confidence thresholds required to predict the impact of this variant on RBM20 protein function. In summary, the available evidence is currently insufficient to determine the role of this variant in disease. Therefore, it has been classified as a Variant of Uncertain Significance.

Blueprint Genetics
Classification: Uncertain significance. Last evaluated: 2018-04-24. Review status: criteria provided, single submitter. Criteria: ACMG Guidelines, 2015. Collection method: clinical testing. Allele origin: germline.

Literature cited by the submitters: PubMed 36578016 (cited by Labcorp Genetics (formerly Invitae), Labcorp).